The following is an entry in ClinVar:

ClinVar aggregate classification (germline): Pathogenic/Likely pathogenic. Review status: criteria provided, multiple submitters, no conflicts (2 of 4 stars). 2 submissions from 2 submitters: Pathogenic (1); Likely pathogenic (1). Last evaluated 2025-11-17.

Conditions:
Tyrosinemia type I (TYRSN1). Also called: FAH DEFICIENCY; HEPATORENAL TYROSINEMIA; Tyrosinemia type 1; Fumarylacetoacetase deficiency; Deficiency of fumarylacetoacetase. Identifiers: Orphanet 882, MedGen C0268490, MONDO:0010161, OMIM 276700. Disease mechanism: loss of function.

Submissions (2):

Labcorp Genetics (formerly Invitae), Labcorp
Classification: Pathogenic for Tyrosinemia type I. Last evaluated: 2025-11-17. Review status: criteria provided, single submitter. Criteria: Invitae Variant Classification Sherloc (09022015). Collection method: clinical testing. Allele origin: germline.
Comment: This sequence change replaces proline, which is neutral and non-polar, with threonine, which is neutral and polar, at codon 249 of the FAH protein (p.Pro249Thr). This variant is not present in population databases (gnomAD no frequency). This missense change has been observed in individual(s) with tyrosinemia type 1 (PMID: 8723690; internal data). In at least one individual the data is consistent with being in trans (on the opposite chromosome) from a pathogenic variant. ClinVar contains an entry for this variant (Variation ID: 2137735). Invitae Evidence Modeling of protein sequence and biophysical properties (such as structural, functional, and spatial information, amino acid conservation, physicochemical variation, residue mobility, and thermodynamic stability) indicates that this missense variant is expected to disrupt FAH protein function with a positive predictive value of 80%. Experimental studies have shown that this missense change affects FAH function (PMID: 31300554). For these reasons, this variant has been classified as Pathogenic.

Natera, Inc.
Classification: Likely pathogenic for Tyrosinemia type I. Last evaluated: 2024-12-03. Review status: criteria provided, single submitter. Criteria: Natera Variant Classification Schema (03/2026). Collection method: clinical testing. Allele origin: germline.
Comment: The c.745C>A variant in FAH is a missense variant predicted to cause substitution of proline to threonine at amino acid 249. This variant is rare in the general population with a frequency below the threshold expected for the associated phenotype(s). This variant has been observed in one or more individuals affected with the associated recessive disease, as either homozygous or compound heterozygous with a second variant (PMID: 8723690). This variant has been identified in one or more affected individuals with a phenotype highly consistent with the associated gene (PMID: 8723690). Functional studies show that this variant may disrupt protein function (PMID: 31300554). Computational prediction algorithms indicate this variant is likely to affect gene or protein function. Given the available evidence, this variant is classified as Likely Pathogenic.

Literature cited by the submitters: PubMed 8723690 (cited by Labcorp Genetics (formerly Invitae), Labcorp and Natera, Inc.); PubMed 31300554 (cited by Labcorp Genetics (formerly Invitae), Labcorp and Natera, Inc.).

NM_000137.4(FAH):c.745C>A (p.Pro249Thr)

Gene: FAH (fumarylacetoacetate hydrolase; plus strand). Cytogenetic location: 15q25.1.
Variant type: single nucleotide variant.
Coding change: c.745C>A on transcript NM_000137.4 (MANE Select); coding-DNA position 745, C replaced by A.
Protein change: p.Pro249Thr; replaces proline 249 with threonine.
Molecular consequence: missense variant.
Genome position (GRCh38, 1-based): chr15:80,173,052, C>A. VCF-style: chr15-80173052-C-A. GRCh37 (hg19) VCF-style: chr15-80465394-C-A.
Other names: c.745C>A, p.Pro249Thr (NM_001374377.1, NM_001374380.1); c.745C>A (NM_000137.2); short protein forms P249T.
Identifiers: ClinVar variation 2137735 (VCV002137735.7), dbSNP rs1595894742, ClinGen allele CA393620716.